The following is an entry in ClinVar:

NM_001082971.2(DDC):c.1437G>T (p.Arg479Ser)

Gene: DDC (dopa decarboxylase; minus strand). Cytogenetic location: 7p12.2.
Variant type: single nucleotide variant.
Coding change: c.1437G>T on transcript NM_001082971.2 (MANE Select); coding-DNA position 1437, G replaced by T.
Protein change: p.Arg479Ser; replaces arginine 479 with serine.
Molecular consequence: missense variant.
Genome position (GRCh38, 1-based): chr7:50,463,237, C>A on the plus strand (G>T on the coding strand, the complement: DDC is on the minus strand). VCF-style: chr7-50463237-C-A. GRCh37 (hg19) VCF-style: chr7-50530935-C-A.
Other names: c.1437G>T, p.Arg479Ser (NM_000790.4); c.1323G>T, p.Arg441Ser (NM_001242886.2); c.1293G>T, p.Arg431Ser (NM_001242887.2); c.1203G>T, p.Arg401Ser (NM_001242888.2); c.1158G>T, p.Arg386Ser (NM_001242889.2); short protein forms R431S, R479S, R386S, R401S, R441S.
Identifiers: ClinVar variation 1483266 (VCV001483266.8), dbSNP rs2042321931, ClinGen allele CA367527227.

ClinVar aggregate classification (germline): Uncertain significance (1 of 4 stars; one submission).

Conditions:
Deficiency of aromatic-L-amino-acid decarboxylase. Also called: Aromatic L-Amino Acid Decarboxylase Deficiency; AADC DEFICIENCY; DDC DEFICIENCY; DOPA DECARBOXYLASE DEFICIENCY; Aromatic amino acid decarboxylase deficiency. Identifiers: Orphanet 35708, MedGen C1291564, MONDO:0012084, OMIM 608643.

Allele frequency attached by ClinVar (database versions not stated): gnomAD 0.00001.
gnomAD v4.1: 1 of 1,611,524 alleles (0.000062%); highest among the groups gnomAD compares: Admixed American, 0.0017%; no homozygotes.

Submission:

Labcorp Genetics (formerly Invitae), Labcorp
Classification: Uncertain significance for Deficiency of aromatic-L-amino-acid decarboxylase. Last evaluated: 2024-10-22. Review status: criteria provided, single submitter. Criteria: Invitae Variant Classification Sherloc (09022015). Collection method: clinical testing. Allele origin: germline.
Comment: This sequence change replaces arginine, which is basic and polar, with serine, which is neutral and polar, at codon 479 of the DDC protein (p.Arg479Ser). This variant is not present in population databases (gnomAD no frequency). This variant has not been reported in the literature in individuals affected with DDC-related conditions. ClinVar contains an entry for this variant (Variation ID: 1483266). Invitae Evidence Modeling of protein sequence and biophysical properties (such as structural, functional, and spatial information, amino acid conservation, physicochemical variation, residue mobility, and thermodynamic stability) indicates that this missense variant is not expected to disrupt DDC protein function with a negative predictive value of 80%. Algorithms developed to predict the effect of sequence changes on RNA splicing suggest that this variant may disrupt the consensus splice site. In summary, the available evidence is currently insufficient to determine the role of this variant in disease. Therefore, it has been classified as a Variant of Uncertain Significance.